The following is an entry in ClinVar:

NM_002691.4(POLD1):c.973A>G (p.Ile325Val)

Gene: POLD1 (DNA polymerase delta 1, catalytic subunit; plus strand). Cytogenetic location: 19q13.33.
Variant type: single nucleotide variant.
Coding change: c.973A>G on transcript NM_002691.4 (MANE Select); coding-DNA position 973, A replaced by G.
Protein change: p.Ile325Val; replaces isoleucine 325 with valine.
Molecular consequence: missense variant. On other transcripts: non-coding transcript variant (1).
Genome position (GRCh38, 1-based): chr19:50,403,055, A>G. VCF-style: chr19-50403055-A-G. GRCh37 (hg19) VCF-style: chr19-50906312-A-G.
Other names: c.973A>G, p.Ile325Val (NM_001256849.1, NM_001308632.1); short protein forms I325V.
Identifiers: ClinVar variation 407965 (VCV000407965.20), dbSNP rs558345043, ClinGen allele CA9595997.
Genomic context (GRCh38, chr19:50,403,055, plus strand): 5'-CCTGCTGTGTTGGGAGTGAGGGGCAGGAGTCAGGCCCCTGCATCCTCCTGCCTCGCAGGC[A>G]TCTTCCCTGAGCCTGAGCGGGACCCTGTCATCCAGATCTGCTCGCTGGGCCTGCGCTGGG-3'
Protein context (NP_002682.2, residues 315-335): FDIECAGRKG[Ile325Val]FPEPERDPVI

ClinVar aggregate classification (germline): Conflicting classifications of pathogenicity. Review status: criteria provided, conflicting classifications (1 of 4 stars). 6 submissions from 6 submitters: Uncertain significance (5); Likely benign (1). Last evaluated 2025-11-10.

Conditions:
POLD1-related polyposis and colorectal cancer syndrome (CRCS10). Also called: Colorectal cancer, susceptibility to, 10; Colorectal cancer 10; COLORECTAL CANCER, SUSCEPTIBILITY TO, ON CHROMOSOME 19q. Identifiers: Orphanet 220460, MedGen C2675481, MONDO:0012953, OMIM 612591.
Hereditary cancer-predisposing syndrome. Also called: Neoplastic Syndromes, Hereditary; Hereditary neoplastic syndrome; Hereditary Cancer Syndrome; Tumor predisposition. Identifiers: Orphanet 140162, MedGen C0027672, MeSH D009386, MONDO:0015356.

Allele frequency attached by ClinVar (database versions not stated): gnomAD 0.00001; gnomAD exomes 0.00001 and 0.00005; TOPMed 0.00001; ExAC 0.00005; 1000 Genomes Project 30x 0.00016; 1000 Genomes Project 0.00020.

Submissions (6):

Labcorp Genetics (formerly Invitae), Labcorp
Classification: Uncertain significance for POLD1-related polyposis and colorectal cancer syndrome. Last evaluated: 2025-11-10. Review status: criteria provided, single submitter. Criteria: Invitae Variant Classification Sherloc (09022015). Collection method: clinical testing. Allele origin: germline.
Comment: This sequence change replaces isoleucine, which is neutral and non-polar, with valine, which is neutral and non-polar, at codon 325 of the POLD1 protein (p.Ile325Val). This variant is present in population databases (rs558345043, gnomAD 0.03%). This missense change has been observed in individual(s) with breast cancer (PMID: 32792570). ClinVar contains an entry for this variant (Variation ID: 407965). An algorithm developed to predict the effect of missense changes on protein structure and function (PolyPhen-2) suggests that this variant is likely to be tolerated. In summary, the available evidence is currently insufficient to determine the role of this variant in disease. Therefore, it has been classified as a Variant of Uncertain Significance.

Ambry Genetics
Classification: Likely benign for Hereditary cancer-predisposing syndrome. Last evaluated: 2024-10-17. Review status: criteria provided, single submitter. Criteria: Ambry Variant Classification Scheme 2023. Collection method: clinical testing. Allele origin: germline.

Baylor Genetics
Classification: Uncertain significance for POLD1-related polyposis and colorectal cancer syndrome. Last evaluated: 2024-03-20. Review status: criteria provided, single submitter. Criteria: ACMG Guidelines, 2015. Collection method: clinical testing. Allele origin: unknown.

GeneDx
Classification: Uncertain significance. Last evaluated: 2023-11-14. Review status: criteria provided, single submitter. Criteria: GeneDx Variant Classification Process June 2021. Collection method: clinical testing. Allele origin: germline. Affected: yes.
Comment: In silico analysis supports that this missense variant does not alter protein structure/function; Observed in an individual with breast cancer (PMID: 32792570); This variant is associated with the following publications: (PMID: 20951805, 32792570)

Sema4
Classification: Uncertain significance for Hereditary cancer-predisposing syndrome. Last evaluated: 2021-12-21. Review status: criteria provided, single submitter. Criteria: Sema4 Curation Guidelines. Collection method: curation. Allele origin: germline.
Comment: The POLD1 c.973A>G (p.I325V) variant has been reported in at least one individual with breast cancer (PMID 32792570). This variant was observed in 7/25676 chromosomes of the Latino/Admixed American subpopulation in the large and broad populations by the Genome Aggregation Database (PMID: 32461654). The variant has been reported in ClinVar (Variation ID 407965). In silico tools suggest the impact of the variant on protein function is benign, though these predictions have not been confirmed by functional studies. The overall evidence is insufficient to meet ACMG/AMP criteria for classifying it as benign or pathogenic. In summary, the clinical significance of this variant is currently uncertain.

Quest Diagnostics Nichols Institute San Juan Capistrano
Classification: Uncertain significance. Last evaluated: 2021-03-26. Review status: criteria provided, single submitter. Criteria: Quest Diagnostics criteria. Collection method: clinical testing. Allele origin: unknown.

Literature cited by the submitters: PubMed 32792570 (cited by 3 submitters).